The following is an entry in ClinVar:

ClinVar aggregate classification (germline): Uncertain significance (1 of 4 stars; one submission).

Conditions:
Cardiovascular phenotype. Identifiers: MedGen CN230736.

Allele frequency attached by ClinVar (database versions not stated): gnomAD exomes below 0.00001; ExAC 0.00001; ESP Exome Variant Server 0.00008.
gnomAD v4.1: 6 of 1,612,254 alleles (0.00037%); highest among the groups gnomAD compares: African/African-American, 0.0013%; no homozygotes.

Submission:

Ambry Genetics
Classification: Uncertain significance for Cardiovascular phenotype. Last evaluated: 2016-07-31. Review status: criteria provided, single submitter. Criteria: Ambry Variant Classification Scheme 2023. Collection method: clinical testing. Allele origin: germline.
Comment: The p.N6264S variant (also known as c.18791A>G), located in coding exon 75 of the TTN gene, results from an A to G substitution at nucleotide position 18791. This alteration is located in the I-band region of the N2-B isoform of the titin protein. The asparagine at codon 6264 is replaced by serine, an amino acid with highly similar properties. This variant was previously reported in the SNPDatabase as rs371734564. Based on data from ExAC, the G allele has an overall frequency of less than 0.01% (1/104764). Based on data from the NHLBI Exome Sequencing Project (ESP), the G allele has an overall frequency of approximately 0.01% (1/12096) total alleles studied, having been observed in 0.03% (1/3848) African American alleles. This amino acid position is highly conserved in available vertebrate species. In addition, this alteration is predicted to be tolerated by in silico analysis. Since supporting evidence is limited at this time, the clinical significance of this alteration remains unclear.

NM_001267550.2(TTN):c.45986A>G (p.Asn15329Ser)

Gene: TTN (titin; minus strand). Cytogenetic location: 2q31.2.
Variant type: single nucleotide variant.
Coding change: c.45986A>G on transcript NM_001267550.2 (MANE Select); coding-DNA position 45986, A replaced by G.
Protein change: p.Asn15329Ser; replaces asparagine 15329 with serine.
Molecular consequence: missense variant.
Genome position (GRCh38, 1-based): chr2:178,620,535, T>C on the plus strand (A>G on the coding strand, the complement: TTN is on the minus strand). VCF-style: chr2-178620535-T-C. GRCh37 (hg19) VCF-style: chr2-179485262-T-C.
Other names: c.41063A>G, p.Asn13688Ser (NM_001256850.1); c.18791A>G, p.Asn6264Ser (NM_003319.4); c.38282A>G, p.Asn12761Ser (NM_133378.4); c.19166A>G, p.Asn6389Ser (NM_133432.3); c.19367A>G, p.Asn6456Ser (NM_133437.4); short protein forms N15329S, N6264S, N6456S, N12761S, N13688S, N6389S.
Identifiers: ClinVar variation 518546 (VCV000518546.5), dbSNP rs371734564, ClinGen allele CA1995324.